The following is an entry in ClinVar:

ClinVar aggregate classification (germline): Uncertain significance (1 of 4 stars; one submission).

Submission:

Labcorp Genetics (formerly Invitae), Labcorp
Classification: Uncertain significance. Last evaluated: 2023-06-16. Review status: criteria provided, single submitter. Criteria: Invitae Variant Classification Sherloc (09022015). Collection method: clinical testing. Allele origin: germline.
Comment: In summary, the available evidence is currently insufficient to determine the role of this variant in disease. Therefore, it has been classified as a Variant of Uncertain Significance. Advanced modeling of protein sequence and biophysical properties (such as structural, functional, and spatial information, amino acid conservation, physicochemical variation, residue mobility, and thermodynamic stability) performed at Invitae indicates that this missense variant is not expected to disrupt LONP1 protein function. ClinVar contains an entry for this variant (Variation ID: 2104752). This variant has not been reported in the literature in individuals affected with LONP1-related conditions. This variant is not present in population databases (gnomAD no frequency). This sequence change replaces alanine, which is neutral and non-polar, with proline, which is neutral and non-polar, at codon 831 of the LONP1 protein (p.Ala831Pro).

NM_004793.4(LONP1):c.2491G>C (p.Ala831Pro)

Gene: LONP1 (lon peptidase 1, mitochondrial; minus strand). Cytogenetic location: 19p13.3.
Variant type: single nucleotide variant.
Coding change: c.2491G>C on transcript NM_004793.4 (MANE Select); coding-DNA position 2491, G replaced by C.
Protein change: p.Ala831Pro; replaces alanine 831 with proline.
Molecular consequence: missense variant. On other transcripts: non-coding transcript variant (1).
Genome position (GRCh38, 1-based): chr19:5,693,599, C>G on the plus strand (G>C on the coding strand, the complement: LONP1 is on the minus strand). VCF-style: chr19-5693599-C-G. GRCh37 (hg19) VCF-style: chr19-5693610-C-G.
Other names: c.2299G>C, p.Ala767Pro (NM_001276479.2); c.1903G>C, p.Ala635Pro (NM_001276480.1); short protein forms A767P, A831P, A635P.
Identifiers: ClinVar variation 2104752 (VCV002104752.4), dbSNP rs141916070, ClinGen allele CA403526045.